The following is an entry in ClinVar:

NM_001267550.2(TTN):c.1506G>A (p.Lys502=)

Gene: TTN (titin; minus strand). Cytogenetic location: 2q31.2.
Variant type: single nucleotide variant.
Coding change: c.1506G>A on transcript NM_001267550.2 (MANE Select); coding-DNA position 1506, G replaced by A.
Protein change: p.Lys502=; no amino-acid change (lysine 502 retained).
Molecular consequence: synonymous variant.
Genome position (GRCh38, 1-based): chr2:178,793,434, C>T on the plus strand (G>A on the coding strand, the complement: TTN is on the minus strand). VCF-style: chr2-178793434-C-T. GRCh37 (hg19) VCF-style: chr2-179658161-C-T.
Other names: c.1506G>A, p.Lys502= (NM_003319.4, NM_133378.4, NM_133379.5 and 3 more transcripts).
Identifiers: ClinVar variation 513820 (VCV000513820.18), dbSNP rs757142612, ClinGen allele CA430114495.

ClinVar aggregate classification (germline): Likely benign. Review status: criteria provided, multiple submitters, no conflicts (2 of 4 stars). 4 submissions from 4 submitters: Likely benign (4). Last evaluated 2025-10-01.

Conditions:
Dilated cardiomyopathy 1G (CMD1G). Identifiers: Orphanet 154, MedGen C1858763, MONDO:0011400, OMIM 604145.
Autosomal recessive limb-girdle muscular dystrophy type 2J (LGMDR10). Also called: MUSCULAR DYSTROPHY, LIMB-GIRDLE, AUTOSOMAL RECESSIVE 10; Limb-girdle muscular dystrophy, type 2J. Identifiers: Orphanet 140922, MedGen C1837342, MONDO:0012127, OMIM 608807.
Cardiovascular phenotype. Identifiers: MedGen CN230736.

gnomAD v4.1: 6 of 1,614,106 alleles (0.00037%); highest among the groups gnomAD compares: African/African-American, 0.0053%; no homozygotes.

Submissions (4):

CeGaT Center for Human Genetics Tuebingen
Classification: Likely benign. Last evaluated: 2025-10-01. Review status: criteria provided, single submitter. Criteria: CeGaT Center For Human Genetics Tuebingen Variant Classification Criteria Version 2. Collection method: clinical testing. Allele origin: germline. Affected: yes. Observed: 1 variant allele.
Comment: TTN: BP4, BP7

Labcorp Genetics (formerly Invitae), Labcorp
Classification: Likely benign for Dilated cardiomyopathy 1G; Autosomal recessive limb-girdle muscular dystrophy type 2J. Last evaluated: 2024-12-25. Review status: criteria provided, single submitter. Criteria: Invitae Variant Classification Sherloc (09022015). Collection method: clinical testing. Allele origin: germline.

Ambry Genetics
Classification: Likely benign for Cardiovascular phenotype. Last evaluated: 2024-05-02. Review status: criteria provided, single submitter. Criteria: Ambry Variant Classification Scheme 2023. Collection method: clinical testing. Allele origin: germline.

GeneDx
Classification: Likely benign. Last evaluated: 2017-11-27. Review status: criteria provided, single submitter. Criteria: GeneDx Variant Classification (06012015). Collection method: clinical testing. Allele origin: germline. Affected: yes.
Comment: This variant is considered likely benign or benign based on one or more of the following criteria: it is a conservative change, it occurs at a poorly conserved position in the protein, it is predicted to be benign by multiple in silico algorithms, and/or has population frequency not consistent with disease.